The following is an entry in ClinVar:

NM_002609.4(PDGFRB):c.1127G>A (p.Arg376Gln)

Gene: PDGFRB (platelet derived growth factor receptor beta; minus strand). Cytogenetic location: 5q32.
Variant type: single nucleotide variant.
Coding change: c.1127G>A on transcript NM_002609.4 (MANE Select); coding-DNA position 1127, G replaced by A.
Protein change: p.Arg376Gln; replaces arginine 376 with glutamine.
Molecular consequence: missense variant.
Genome position (GRCh38, 1-based): chr5:150,132,750, C>T on the plus strand (G>A on the coding strand, the complement: PDGFRB is on the minus strand). VCF-style: chr5-150132750-C-T. GRCh37 (hg19) VCF-style: chr5-149512313-C-T.
Other names: c.935G>A, p.Arg312Gln (NM_001355016.2); c.644G>A, p.Arg215Gln (NM_001355017.2); short protein forms R215Q, R312Q, R376Q.
Identifiers: ClinVar variation 2071426 (VCV002071426.4), dbSNP rs1442264858, ClinGen allele CA361719401.

ClinVar aggregate classification (germline): Uncertain significance (1 of 4 stars; one submission).

Conditions:
Infantile myofibromatosis (IMF). Also called: Congenital generalized fibromatosis. Identifiers: Orphanet 2591, MedGen C0432284, MONDO:0016824.
Skeletal overgrowth-craniofacial dysmorphism-hyperelastic skin-white matter lesions syndrome. Also called: SKELETAL OVERGROWTH WITH FACIAL DYSMORPHISM, HYPERELASTIC SKIN, WHITE MATTER LESIONS, AND NEUROLOGIC DETERIORATION; Kosaki overgrowth syndrome. Identifiers: Orphanet 477831, MedGen C4225270, MONDO:0014704, OMIM 616592.
Acroosteolysis-keloid-like lesions-premature aging syndrome. Also called: Premature aging syndrome, Penttinen type; Prematurely aged appearance, delayed bone maturation, acro-osteolysis, and brachydactyly; Progeroid syndrome, Penttinen type. Identifiers: Orphanet 363665, MedGen C1866182, MONDO:0011150, OMIM 601812.
Basal ganglia calcification, idiopathic, 4 (PFBC4). Also called: Familial Idiopathic Basal Ganglia Calcification 4; PRIMARY FAMILIAL BRAIN CALCIFICATION 4, AUTOSOMAL DOMINANT. Identifiers: Orphanet 1980, MedGen C3554321, MONDO:0014004, OMIM 615007.

Allele frequency attached by ClinVar (database versions not stated): gnomAD exomes below 0.00001; TOPMed below 0.00001.
gnomAD v4.1: 2 of 1,611,034 alleles (0.00012%); highest among the groups gnomAD compares: Non-Finnish European, 0.00017%; no homozygotes.

Submission:

Labcorp Genetics (formerly Invitae), Labcorp
Classification: Uncertain significance for Basal ganglia calcification, idiopathic, 4; Skeletal overgrowth-craniofacial dysmorphism-hyperelastic skin-white matter lesions syndrome; Infantile myofibromatosis; Acroosteolysis-keloid-like lesions-premature aging syndrome. Last evaluated: 2024-03-15. Review status: criteria provided, single submitter. Criteria: Invitae Variant Classification Sherloc (09022015). Collection method: clinical testing. Allele origin: germline.
Comment: This sequence change replaces arginine, which is basic and polar, with glutamine, which is neutral and polar, at codon 376 of the PDGFRB protein (p.Arg376Gln). This variant also falls at the last nucleotide of exon 7, which is part of the consensus splice site for this exon. The frequency data for this variant in the population databases is considered unreliable, as metrics indicate poor data quality at this position in the gnomAD database. This variant has not been reported in the literature in individuals affected with PDGFRB-related conditions. ClinVar contains an entry for this variant (Variation ID: 2071426). An algorithm developed to predict the effect of missense changes on protein structure and function (PolyPhen-2) suggests that this variant is likely to be disruptive. Variants that disrupt the consensus splice site are a relatively common cause of aberrant splicing (PMID: 17576681, 9536098). Algorithms developed to predict the effect of sequence changes on RNA splicing suggest that this variant may disrupt the consensus splice site. In summary, the available evidence is currently insufficient to determine the role of this variant in disease. Therefore, it has been classified as a Variant of Uncertain Significance.

Literature cited by the submitters: PubMed 17576681; PubMed 9536098.